The following is an entry in ClinVar:

NM_006567.5(FARS2):c.1013G>A (p.Arg338His)

Gene: FARS2 (phenylalanyl-tRNA synthetase 2, mitochondrial; plus strand). Cytogenetic location: 6p25.1.
Variant type: single nucleotide variant.
Coding change: c.1013G>A on transcript NM_006567.5 (MANE Select); coding-DNA position 1013, G replaced by A.
Protein change: p.Arg338His; replaces arginine 338 with histidine.
Molecular consequence: missense variant.
Genome position (GRCh38, 1-based): chr6:5,545,288, G>A. VCF-style: chr6-5545288-G-A. GRCh37 (hg19) VCF-style: chr6-5545521-G-A.
Other names: c.1013G>A, p.Arg338His (NM_001318872.2, NM_001374875.1, NM_001374876.1 and 4 more transcripts); c.881G>A, p.Arg294His (NM_001375258.1); c.317G>A, p.Arg106His (NM_001375259.1, NM_001375260.1); c.1013G>A (NM_006567.3); short protein forms R294H, R106H, R338H.
Identifiers: ClinVar variation 1440187 (VCV001440187.9), dbSNP rs746837108, ClinGen allele CA3623853.

ClinVar aggregate classification (germline): Conflicting classifications of pathogenicity. Review status: criteria provided, conflicting classifications (1 of 4 stars). 2 submissions from 2 submitters: Likely pathogenic (1); Uncertain significance (1). Last evaluated 2025-07-14.

Conditions:
Combined oxidative phosphorylation defect type 14. Also called: Combined oxidative phosphorylation deficiency 14. Identifiers: Orphanet 319519, MedGen C4755312, MONDO:0013986, OMIM 614946.

Allele frequency attached by ClinVar (database versions not stated): gnomAD exomes below 0.00001 and 0.00001; ExAC 0.00001; TOPMed 0.00005; gnomAD 0.00007 and 0.00009.
gnomAD v4.1: 24 of 1,613,908 alleles (0.0015%); highest among the groups gnomAD compares: African/African-American, 0.02%; no homozygotes.

Submissions (2):

Labcorp Genetics (formerly Invitae), Labcorp
Classification: Uncertain significance for Combined oxidative phosphorylation defect type 14. Last evaluated: 2025-07-14. Review status: criteria provided, single submitter. Criteria: Invitae Variant Classification Sherloc (09022015). Collection method: clinical testing. Allele origin: germline.
Comment: This sequence change replaces arginine, which is basic and polar, with histidine, which is basic and polar, at codon 338 of the FARS2 protein (p.Arg338His). This variant is present in population databases (rs746837108, gnomAD 0.03%). This variant has not been reported in the literature in individuals affected with FARS2-related conditions. ClinVar contains an entry for this variant (Variation ID: 1440187). Invitae Evidence Modeling of protein sequence and biophysical properties (such as structural, functional, and spatial information, amino acid conservation, physicochemical variation, residue mobility, and thermodynamic stability) indicates that this missense variant is expected to disrupt FARS2 protein function with a positive predictive value of 95%. In summary, the available evidence is currently insufficient to determine the role of this variant in disease. Therefore, it has been classified as a Variant of Uncertain Significance.

GeneDx
Classification: Likely pathogenic. Last evaluated: 2025-01-08. Review status: criteria provided, single submitter. Criteria: GeneDx Variant Classification Process June 2021. Collection method: clinical testing. Allele origin: germline. Affected: yes.
Comment: Not observed at significant frequency in large population cohorts (gnomAD); In silico analysis indicates that this missense variant does not alter protein structure/function; This variant is associated with the following publications: (PMID: 39342436)